The following is an entry in ClinVar:

ClinVar aggregate classification (germline): Uncertain significance (1 of 4 stars; one submission).

Conditions:
DIABLO-related disorder. Also called: DIABLO-related condition.

Allele frequency attached by ClinVar (database versions not stated): gnomAD exomes below 0.00001.
gnomAD v4.1: 2 of 1,603,510 alleles (0.00012%); highest among the groups gnomAD compares: Non-Finnish European, 0.00017%; no homozygotes.

Submission:

PreventionGenetics, part of Exact Sciences
Classification: Uncertain significance for DIABLO-related condition. Last evaluated: 2023-06-02. Review status: criteria provided, single submitter. Criteria: ACMG Guidelines, 2015. Collection method: clinical testing. Allele origin: germline.
Comment: The DIABLO c.23T>C variant is predicted to result in the amino acid substitution p.Leu8Pro. To our knowledge, this variant has not been reported in the literature or in a large population database, indicating this variant is rare. At this time, the clinical significance of this variant is uncertain due to the absence of conclusive functional and genetic evidence.

NM_001371333.1(DIABLO):c.23T>C (p.Leu8Pro)

Genes: DIABLO (diablo IAP-binding mitochondrial protein; minus strand), LOC130009040 (ATAC-STARR-seq lymphoblastoid active region 7211; plus strand). Cytogenetic location: 12q24.31.
Variant type: single nucleotide variant.
Coding change: c.23T>C on transcript NM_001371333.1 (MANE Select); coding-DNA position 23, T replaced by C.
Protein change: p.Leu8Pro; replaces leucine 8 with proline.
Molecular consequence: missense variant. On other transcripts: 5 prime UTR variant (3).
Genome position (GRCh38, 1-based): chr12:122,225,992, A>G on the plus strand (T>C on the coding strand, the complement: DIABLO is on the minus strand). VCF-style: chr12-122225992-A-G. GRCh37 (hg19) VCF-style: chr12-122710539-A-G.
Other names: c.-108T>C (NM_001278302.1, NM_138930.3); c.-64T>C (NM_001278303.1); c.23T>C, p.Leu8Pro (NM_001278342.1, NM_019887.6); short protein forms L8P.
Identifiers: ClinVar variation 2632314 (VCV002632314.1), dbSNP rs1954459100, ClinGen allele CA387046798.